The following is an entry in ClinVar:

NM_015631.6(TCTN3):c.2T>A (p.Met1Lys)

Genes: TCTN3 (tectonic family member 3; minus strand), LOC130004408 (ATAC-STARR-seq lymphoblastoid active region 3801; plus strand). Cytogenetic location: 10q24.1.
Variant type: single nucleotide variant.
Coding change: c.2T>A on transcript NM_015631.6 (MANE Select); coding-DNA position 2, T replaced by A.
Protein change: p.Met1Lys; changes the start codon (methionine 1).
Molecular consequence: missense variant, initiator codon variant.
Genome position (GRCh38, 1-based): chr10:95,693,898, A>T on the plus strand (T>A on the coding strand, the complement: TCTN3 is on the minus strand). VCF-style: chr10-95693898-A-T. GRCh37 (hg19) VCF-style: chr10-97453655-A-T.
Other names: c.56T>A, p.Met19Lys (NM_001013840.1); c.2T>A, p.Met1Lys (NM_001143973.2, NM_001410982.1); short protein forms M1K, M19K.
Identifiers: ClinVar variation 2946239 (VCV002946239.3), dbSNP rs373479905, ClinGen allele CA211808632.

ClinVar aggregate classification (germline): Pathogenic (1 of 4 stars; one submission).

Conditions:
Joubert syndrome 18 (JBTS18). Identifiers: Orphanet 2754, MedGen C3553758, MONDO:0013896, OMIM 614815.
Orofacial-digital syndrome IV (OFD4). Also called: BARAITSER-BURN SYNDROME; OFD SYNDROME WITH TIBIAL DEFECTS; OFD SYNDROME, BARAITSER-BURN TYPE; OFDS IV; ORAL-FACIAL-DIGITAL SYNDROME, TYPE IV; Orofaciodigital syndrome IV. Identifiers: Orphanet 2753, MedGen C0406727, MONDO:0009794, OMIM 258860.

Submission:

Labcorp Genetics (formerly Invitae), Labcorp
Classification: Pathogenic for Joubert syndrome 18; Orofacial-digital syndrome IV. Last evaluated: 2023-04-06. Review status: criteria provided, single submitter. Criteria: Invitae Variant Classification Sherloc (09022015). Collection method: clinical testing. Allele origin: germline.
Comment: This variant is not present in population databases (gnomAD no frequency). For these reasons, this variant has been classified as Pathogenic. Disruption of the initiator codon has been observed in individual(s) with clinical features of Joubert syndrome (PMID: 26092869; Invitae). In at least one individual the data is consistent with being in trans (on the opposite chromosome) from a pathogenic variant. This sequence change affects the initiator methionine of the TCTN3 mRNA. The next in-frame methionine is located at codon 152.

Literature cited by the submitters: PubMed 26092869.